The following is an entry in ClinVar:

NM_007294.4(BRCA1):c.134A>T (p.Lys45Ile)

Gene: BRCA1 (BRCA1 DNA repair associated; minus strand). Cytogenetic location: 17q21.31.
Variant type: single nucleotide variant.
Coding change: c.134A>T on transcript NM_007294.4 (MANE Select); coding-DNA position 134, A replaced by T.
Protein change: p.Lys45Ile; replaces lysine 45 with isoleucine.
Molecular consequence: missense variant. On other transcripts: non-coding transcript variant (1), intron variant (1).
Genome position (GRCh38, 1-based): chr17:43,115,726, T>A on the plus strand (A>T on the coding strand, the complement: BRCA1 is on the minus strand). VCF-style: chr17-43115726-T-A. GRCh37 (hg19) VCF-style: chr17-41267743-T-A.
Other names: c.134A>T, p.Lys45Ile (NM_001407979.1, NM_001407980.1, NM_001407981.1 and 168 more transcripts); c.134A>T, p.Lys45Met (NM_001408409.1, NM_001408411.1, NM_001408412.1 and 21 more transcripts); c.-8A>T (NM_001408410.1, NM_001408452.1, NM_001408453.1 and 47 more transcripts); c.-124A>T (NM_001408455.1, NM_001408456.1, NM_001408468.1 and 13 more transcripts); c.-128A>T (NM_001408465.1, NM_001407695.1); c.-55A>T (NM_001408478.1, NM_001408479.1, NM_001408480.1 and 52 more transcripts); c.-171A>T (NM_001408492.1, NM_001407889.1, NM_001407900.1); c.-170A>T (NM_001408510.1, NM_001408512.1, NM_001407960.1 and 1 more transcripts); and 2 more; short protein forms K45I, K45M.
Identifiers: ClinVar variation 865153 (VCV000865153.5), dbSNP rs80356863, ClinGen allele CA10601890.

ClinVar aggregate classification (germline): Uncertain significance (1 of 4 stars; one submission).

Conditions:
Hereditary cancer-predisposing syndrome. Also called: Tumor predisposition; Hereditary Cancer Syndrome; Hereditary neoplastic syndrome; Neoplastic Syndromes, Hereditary. Identifiers: Orphanet 140162, MedGen C0027672, MeSH D009386, MONDO:0015356.

Submissions (2):

Ambry Genetics
Classification: Uncertain significance for Hereditary cancer-predisposing syndrome. Last evaluated: 2021-06-18. Review status: criteria provided, single submitter. Criteria: Ambry Variant Classification Scheme 2023. Collection method: clinical testing. Allele origin: germline.
Comment: The p.K45I variant (also known as c.134A>T), located in coding exon 2 of the BRCA1 gene, results from a A to T substitution at nucleotide position 134. The lysine at codon 45 is replaced by isoleucine, an amino acid with dissimilar properties. One functional study found that this nucleotide substitution is non-functional in a high-throughput, genome editing, haploid cell survival assay. (Findlay GM et al. Nature, 2018 10;562:217-222). This amino acid position is well conserved in available vertebrate species. In addition, the in silico prediction for this alteration is inconclusive. Since supporting evidence is limited at this time, the clinical significance of this alteration remains unclear.

Brotman Baty Institute, University of Washington
No classification provided (evidence only). Condition: Breast-ovarian cancer, familial 1. Review status: no classification provided. Collection method: in vitro. Allele origin: not applicable. Functional consequence: functionally_abnormal. Not counted in ClinVar's aggregate classification.
ClinVar note: "not provided" was previously submitted as the classification for the variant. However, the classification appeared to be based only on an observation of functional data so it was converted to no classification on 2025-07-30.

Literature cited by the submitters: PubMed 30209399 (cited by Ambry Genetics).